The following is an entry in ClinVar:

NM_000506.5(F2):c.1094T>A (p.Val365Glu)

Gene: F2 (coagulation factor II, thrombin; plus strand). Cytogenetic location: 11p11.2.
Variant type: single nucleotide variant.
Coding change: c.1094T>A on transcript NM_000506.5 (MANE Select); coding-DNA position 1094, T replaced by A.
Protein change: p.Val365Glu; replaces valine 365 with glutamic acid.
Molecular consequence: missense variant.
Genome position (GRCh38, 1-based): chr11:46,726,801, T>A. VCF-style: chr11-46726801-T-A. GRCh37 (hg19) VCF-style: chr11-46748351-T-A.
Other names: short protein forms V365E.
Identifiers: ClinVar variation 1684489 (VCV001684489.1), dbSNP rs747234596, ClinGen allele CA380267974.

ClinVar aggregate classification (germline): Likely pathogenic (0 of 4 stars; one submission).

Conditions:
Congenital prothrombin deficiency. Also called: Hereditary factor II deficiency disease; HYPOPROTHROMBINEMIA; Factor II deficiency; Inherited hypoprothrombinemia; Congenital factor II deficiency; Inherited prothrombin deficiency. Identifiers: Orphanet 325, MedGen C0272317, MONDO:0013361, OMIM 613679.

Submission:

ISTH-SSC Genomics in Thrombosis and Hemostasis, KU Leuven, Center for Molecular and Vascular Biology
Classification: Likely pathogenic for Congenital prothrombin deficiency. Review status: no assertion criteria provided. Collection method: clinical testing. Allele origin: germline. Affected: yes.
Comment: Submitted to GoldVariant by Loredana Bury - Paolo Gresele from University of Perugia, Department of Medicine and Surgery, Centre for Hemostasis and Thrombosis, Italy